The following is an entry in ClinVar:

NM_001394062.1(MACF1):c.12098A>G (p.Gln4033Arg)

Genes: MACF1 (microtubule actin crosslinking factor 1; plus strand), LOC126805711 (CDK7 strongly-dependent group 2 enhancer GRCh37_chr1:39824023-39825222; plus strand). Cytogenetic location: 1p34.3.
Variant type: single nucleotide variant.
Coding change: c.12098A>G on transcript NM_001394062.1 (MANE Select); coding-DNA position 12098, A replaced by G.
Protein change: p.Gln4033Arg; replaces glutamine 4033 with arginine.
Molecular consequence: missense variant.
Genome position (GRCh38, 1-based): chr1:39,358,851, A>G. VCF-style: chr1-39358851-A-G. GRCh37 (hg19) VCF-style: chr1-39824523-A-G.
Other names: c.5912A>G, p.Gln1971Arg (NM_012090.5); short protein forms Q1971R, Q4033R.
Identifiers: ClinVar variation 2629825 (VCV002629825.1), dbSNP rs2522358350, ClinGen allele CA339821586.
Genomic context (GRCh38, chr1:39,358,851, plus strand): 5'-GTGAGGCCAACGTGGAGAAGCTCCTCTCAGATACTGTTGCCTCTGACCCTGGAGTTCTCC[A>G]GGAGCAGCTTGCAACAACAAAGGTAAGTCAGGACACAGGCTGTGTTGTGGTGTCAAGACC-3'
Protein context (NP_001380991.1, residues 4023-4043): DTVASDPGVL[Gln4033Arg]EQLATTKQLQ

ClinVar aggregate classification (germline): Uncertain significance (1 of 4 stars; one submission).

Conditions:
MACF1-related disorder. Also called: MACF1-related condition.

Submission:

PreventionGenetics, part of Exact Sciences
Classification: Uncertain significance for MACF1-related condition. Last evaluated: 2023-01-06. Review status: criteria provided, single submitter. Criteria: ACMG Guidelines, 2015. Collection method: clinical testing. Allele origin: germline.
Comment: The MACF1 c.5912A>G variant is predicted to result in the amino acid substitution p.Gln1971Arg. To our knowledge, this variant has not been reported in the literature or in a large population database, indicating this variant is rare. At this time, the clinical significance of this variant is uncertain due to the absence of conclusive functional and genetic evidence.